The following is an entry in ClinVar:

ClinVar aggregate classification (germline): Uncertain significance (1 of 4 stars; one submission).

Conditions:
Heterotaxy, visceral, 6, autosomal (HTX6). Also called: Heterotaxy, visceral, 6, autosomal recessive. Identifiers: Orphanet 450, MedGen C3553676, MONDO:0013887, OMIM 614779.

Allele frequency attached by ClinVar (database versions not stated): gnomAD exomes below 0.00001 and 0.00002; TOPMed below 0.00001; ExAC 0.00002.
gnomAD v4.1: 5 of 1,610,144 alleles (0.00031%); highest among the groups gnomAD compares: Admixed American, 0.0083%; no homozygotes.

Submission:

Labcorp Genetics (formerly Invitae), Labcorp
Classification: Uncertain significance for Heterotaxy, visceral, 6, autosomal. Last evaluated: 2020-08-28. Review status: criteria provided, single submitter. Criteria: Invitae Variant Classification Sherloc (09022015). Collection method: clinical testing. Allele origin: germline.
Comment: This sequence change falls in intron 6 of the CFAP53 gene. It does not directly change the encoded amino acid sequence of the CFAP53 protein, but it affects a nucleotide within the consensus splice site of the intron. This variant is present in population databases (rs745472916, ExAC 0.02%). This variant has not been reported in the literature in individuals with CFAP53-related conditions. Nucleotide substitutions within the consensus splice site are a relatively common cause of aberrant splicing (PMID: 17576681, 9536098). Algorithms developed to predict the effect of sequence changes on RNA splicing suggest that this variant may disrupt the consensus splice site, but this prediction has not been confirmed by published transcriptional studies. In summary, the available evidence is currently insufficient to determine the role of this variant in disease. Therefore, it has been classified as a Variant of Uncertain Significance.

Literature cited by the submitters: PubMed 17576681; PubMed 9536098.

NM_145020.5(CFAP53):c.1213+4A>G

Gene: CFAP53 (cilia and flagella associated protein 53; minus strand). Cytogenetic location: 18q21.1.
Variant type: single nucleotide variant.
Coding change: c.1213+4A>G on transcript NM_145020.5 (MANE Select); 4 bases into the intron after coding-DNA position 1213, A replaced by G.
Molecular consequence: intron variant.
Genome position (GRCh38, 1-based): chr18:50,242,896, T>C on the plus strand (A>G on the coding strand, the complement: CFAP53 is on the minus strand). VCF-style: chr18-50242896-T-C. GRCh37 (hg19) VCF-style: chr18-47769266-T-C.
Identifiers: ClinVar variation 1057411 (VCV001057411.2), dbSNP rs745472916, ClinGen allele CA8962177.
Genomic context (GRCh38, chr18:50,242,896, plus strand): 5'-TTTTGGTTGTTACTTAAATTGAATTAAGGGCAAGCTATAATATAACTGTAATTCAGTTCC[T>C]TACACTTTTCTTGAACTTGAAGTTTTCTTGTACACATGACCTCATCCACAAGCTGTCTCC-3'